The following is an entry in ClinVar:

NM_000021.4(PSEN1):c.845T>C (p.Leu282Pro)

Gene: PSEN1 (presenilin 1; plus strand). Cytogenetic location: 14q24.2.
Variant type: single nucleotide variant.
Coding change: c.845T>C on transcript NM_000021.4 (MANE Select); coding-DNA position 845, T replaced by C.
Protein change: p.Leu282Pro; replaces leucine 282 with proline.
Molecular consequence: missense variant.
Genome position (GRCh38, 1-based): chr14:73,198,106, T>C. VCF-style: chr14-73198106-T-C. GRCh37 (hg19) VCF-style: chr14-73664814-T-C.
Other names: c.833T>C, p.Leu278Pro (NM_007318.3); c.845T>C (NM_000021.3); short protein forms L282P, L278P.
Identifiers: ClinVar variation 1917985 (VCV001917985.6), dbSNP rs63750050, ClinGen allele CA390302267.

ClinVar aggregate classification (germline): Pathogenic/Likely pathogenic. Review status: criteria provided, multiple submitters, no conflicts (2 of 4 stars). 2 submissions from 2 submitters: Pathogenic (1); Likely pathogenic (1). Last evaluated 2025-07-09.

Conditions:
Acne inversa, familial, 3 (ACNINV3). Identifiers: MedGen C3151038, MONDO:0013398, OMIM 613737.
Pick disease. Also called: PICK DISEASE OF BRAIN; DEMENTIA WITH LOBAR ATROPHY AND NEURONAL CYTOPLASMIC INCLUSIONS; Pick Disease of the Brain; Pick's disease; LOBAR ATROPHY OF BRAIN. Identifiers: Orphanet 282, MedGen C0236642, MONDO:0008243, OMIM 172700.
Frontotemporal dementia (FTD1). Also called: WILHELMSEN-LYNCH DISEASE; Dementia, frontotemporal, with or without parkinsonism; Frontotemporal Dementia with Parkinsonism-17 (FTDP-17); FRONTOTEMPORAL DEMENTIA WITH PARKINSONISM; FRONTOTEMPORAL LOBE DEMENTIA; Frontotemporal lobe dementia (FLDEM). Identifiers: Orphanet 282, MedGen C0338451, MONDO:0017276, OMIM 600274, HP:0002145.
Alzheimer disease 3 (AD3). Also called: ALZHEIMER DISEASE, FAMILIAL, 3. Identifiers: Orphanet 1020, MedGen C1843013, MONDO:0011913, OMIM 607822.

Submissions (2):

Athena Diagnostics
Classification: Likely pathogenic. Last evaluated: 2025-07-09. Review status: criteria provided, single submitter. Criteria: Athena Diagnostics Criteria. Collection method: clinical testing. Allele origin: unknown.
Comment: This variant has not been reported in large, multi-ethnic general populations. This variant has been identified in at least one individual with Alzheimer disease. Polyphen and MutationTaster predict this amino acid change may be damaging to the protein. At least one other missense variant at this codon is considered to be pathogenic or likely pathogenic, suggesting this variant may also cause disease.

Labcorp Genetics (formerly Invitae), Labcorp
Classification: Pathogenic for Alzheimer disease 3; Pick disease; Acne inversa, familial, 3; Frontotemporal dementia. Last evaluated: 2023-08-20. Review status: criteria provided, single submitter. Criteria: Invitae Variant Classification Sherloc (09022015). Collection method: clinical testing. Allele origin: germline.
Comment: This sequence change replaces leucine, which is neutral and non-polar, with proline, which is neutral and non-polar, at codon 282 of the PSEN1 protein (p.Leu282Pro). This variant is not present in population databases (gnomAD no frequency). This missense change has been observed in individuals with clinical features of early-onset Alzheimer disease (PMID: 32103039; Invitae). ClinVar contains an entry for this variant (Variation ID: 1917985). Advanced modeling of protein sequence and biophysical properties (such as structural, functional, and spatial information, amino acid conservation, physicochemical variation, residue mobility, and thermodynamic stability) performed at Invitae indicates that this missense variant is expected to disrupt PSEN1 protein function. This variant disrupts the p.Leu282 amino acid residue in PSEN1. Other variant(s) that disrupt this residue have been observed in individuals with PSEN1-related conditions (PMID: 9502232, 11701593, 19430857), which suggests that this may be a clinically significant amino acid residue. For these reasons, this variant has been classified as Pathogenic.

Literature cited by the submitters: PubMed 32103039 (cited by Athena Diagnostics and Labcorp Genetics (formerly Invitae), Labcorp); PubMed 9502232 (cited by Labcorp Genetics (formerly Invitae), Labcorp); PubMed 11701593 (cited by Labcorp Genetics (formerly Invitae), Labcorp); PubMed 19430857 (cited by Labcorp Genetics (formerly Invitae), Labcorp).